The following is an entry in ClinVar:

NM_000179.3(MSH6):c.3128del (p.Asn1043fs)

Gene: MSH6 (mutS homolog 6; plus strand). Cytogenetic location: 2p16.3.
Variant type: Deletion.
Coding change: c.3128del on transcript NM_000179.3 (MANE Select); coding-DNA position 3128, one base deleted (A; older notation c.3128delA).
Protein change: p.Asn1043fs; shifts the reading frame from asparagine 1043.
Molecular consequence: frameshift variant.
Genome position (GRCh38, 1-based): chr2:47,801,111, A deleted; the last of 5 consecutive A bases (chr2:47,801,107-47,801,111); deleting any one gives the same sequence. VCF-style (leftmost placement, unchanged base first): chr2-47801106-TA-T. GRCh37 (hg19) VCF-style: chr2-48028245-TA-T.
Other names: c.2738del, p.Asn913fs (NM_001281492.2); c.2222del, p.Asn741fs (NM_001281493.2, NM_001281494.2); c.3224delA, p.Asn1075Ilefs (NM_001406795.1, NM_001406802.1); c.3128delA, p.Asn1043Ilefs (NM_001406796.1, NM_001406798.1, NM_001406800.1 and 2 more transcripts); c.2831delA, p.Asn944Ilefs (NM_001406797.1, NM_001406801.1, NM_001406805.1 and 10 more transcripts); c.2603delA, p.Asn868Ilefs (NM_001406799.1, NM_001406806.1, NM_001406807.1); c.3050delA, p.Asn1017Ilefs (NM_001406804.1); c.2222delA, p.Asn741Ilefs (NM_001406811.1, NM_001406812.1, NM_001406814.1 and 4 more transcripts); and 3 more; short protein forms N741fs, N913fs, N1043fs.
Identifiers: ClinVar variation 1727911 (VCV001727911.2), dbSNP rs2530715473, ClinGen allele CA2580066806.
Genomic context (GRCh38, chr2:47,801,106, plus strand): 5'-TGAAGAACGGAGGGATGTATCATTGAAGGACTGCATGCGGCGACTGTTCTATAACTTTGA[TA>T]AAAATTACAAGGACTGGCAGTCTGCTGTAGAGTGTATCGCAGTGTTGGGTAAGACTTTGA-3'

ClinVar aggregate classification (germline): Pathogenic (1 of 4 stars; one submission).

Conditions:
Hereditary cancer-predisposing syndrome. Also called: Tumor predisposition; Neoplastic Syndromes, Hereditary; Hereditary Cancer Syndrome; Hereditary neoplastic syndrome. Identifiers: Orphanet 140162, MedGen C0027672, MeSH D009386, MONDO:0015356.

Submission:

Ambry Genetics
Classification: Pathogenic for Hereditary cancer-predisposing syndrome. Last evaluated: 2021-08-04. Review status: criteria provided, single submitter. Criteria: Ambry Variant Classification Scheme 2023. Collection method: clinical testing. Allele origin: germline.
Comment: The c.3128delA pathogenic mutation, located in coding exon 4 of the MSH6 gene, results from a deletion of one nucleotide at nucleotide position 3128, causing a translational frameshift with a predicted alternate stop codon (p.N1043Ifs*9). This alteration is expected to result in loss of function by premature protein truncation or nonsense-mediated mRNA decay. As such, this alteration is interpreted as a disease-causing mutation.